The following is an entry in ClinVar:

NM_004385.5(VCAN):c.3917C>T (p.Ala1306Val)

Gene: VCAN (versican; plus strand). Cytogenetic location: 5q14.3.
Variant type: single nucleotide variant.
Coding change: c.3917C>T on transcript NM_004385.5 (MANE Select); coding-DNA position 3917, C replaced by T.
Protein change: p.Ala1306Val; replaces alanine 1306 with valine.
Molecular consequence: missense variant. On other transcripts: intron variant (2).
Genome position (GRCh38, 1-based): chr5:83,522,223, C>T. VCF-style: chr5-83522223-C-T. GRCh37 (hg19) VCF-style: chr5-82818042-C-T.
Other names: c.3917C>T, p.Ala1306Val (NM_001164098.2); c.1042+9827C>T (NM_001164097.2, NM_001126336.3); short protein forms A1306V.
Identifiers: ClinVar variation 2963579 (VCV002963579.4), dbSNP rs749496810, ClinGen allele CA3333076.

ClinVar aggregate classification (germline): Uncertain significance. Review status: criteria provided, multiple submitters, no conflicts (2 of 4 stars). 2 submissions from 2 submitters: Uncertain significance (2). Last evaluated 2025-09-28.

Allele frequency attached by ClinVar (database versions not stated): ExAC 0.00005; gnomAD 0.00004; TOPMed 0.00002.
gnomAD v4.1: 25 of 1,601,962 alleles (0.0016%); highest among the groups gnomAD compares: Admixed American, 0.01%; no homozygotes.

Submissions (2):

Labcorp Genetics (formerly Invitae), Labcorp
Classification: Uncertain significance. Last evaluated: 2025-09-28. Review status: criteria provided, single submitter. Criteria: Invitae Variant Classification Sherloc (09022015). Collection method: clinical testing. Allele origin: germline.
Comment: This sequence change replaces alanine, which is neutral and non-polar, with valine, which is neutral and non-polar, at codon 1306 of the VCAN protein (p.Ala1306Val). This variant is present in population databases (rs749496810, gnomAD 0.03%). This variant has not been reported in the literature in individuals affected with VCAN-related conditions. ClinVar contains an entry for this variant (Variation ID: 2963579). An algorithm developed to predict the effect of missense changes on protein structure and function (PolyPhen-2) suggests that this variant is likely to be disruptive. In summary, the available evidence is currently insufficient to determine the role of this variant in disease. Therefore, it has been classified as a Variant of Uncertain Significance.

Breakthrough Genomics
Classification: Uncertain significance. Review status: criteria provided, single submitter. Criteria: ACMG Guidelines, 2015. Collection method: not provided. Allele origin: germline. Inheritance: Autosomal dominant inheritance. Affected: yes.